The following is an entry in ClinVar:

NM_002047.4(GARS1):c.1447G>A (p.Glu483Lys)

Gene: GARS1 (glycyl-tRNA synthetase 1; plus strand). Cytogenetic location: 7p14.3.
Variant type: single nucleotide variant.
Coding change: c.1447G>A on transcript NM_002047.4 (MANE Select); coding-DNA position 1447, G replaced by A.
Protein change: p.Glu483Lys; replaces glutamic acid 483 with lysine.
Molecular consequence: missense variant.
Genome position (GRCh38, 1-based): chr7:30,621,480, G>A. VCF-style: chr7-30621480-G-A. GRCh37 (hg19) VCF-style: chr7-30661096-G-A.
Other names: c.1285G>A, p.Glu429Lys (NM_001316772.1); short protein forms E429K, E483K.
Identifiers: ClinVar variation 2128810 (VCV002128810.4), dbSNP rs2534320084, ClinGen allele CA367128335.
Genomic context (GRCh38, chr7:30,621,480, plus strand): 5'-GATCGTTCCTGTTATGACCTCTCCTGTCATGCACGAGCCACCAAAGTCCCACTTGTAGCT[G>A]AGAAACCTCTGAAAGAACCCATATCCTTTCTGGTCACTCCAAAAACTCAGGATTCACATG-3'
Protein context (NP_002038.2, residues 473-493): ARATKVPLVA[Glu483Lys]KPLKEPKTVN

ClinVar aggregate classification (germline): Uncertain significance (1 of 4 stars; one submission).

Conditions:
Charcot-Marie-Tooth disease type 2. Also called: Charcot-Marie-Tooth type 2. Identifiers: Orphanet 64746, MedGen C0270914, MONDO:0018993.

Submission:

Labcorp Genetics (formerly Invitae), Labcorp
Classification: Uncertain significance for Charcot-Marie-Tooth disease type 2. Last evaluated: 2022-04-21. Review status: criteria provided, single submitter. Criteria: Invitae Variant Classification Sherloc (09022015). Collection method: clinical testing. Allele origin: germline.
Comment: This sequence change replaces glutamic acid, which is acidic and polar, with lysine, which is basic and polar, at codon 483 of the GARS protein (p.Glu483Lys). This variant is not present in population databases (gnomAD no frequency). This variant has not been reported in the literature in individuals affected with GARS-related conditions. Algorithms developed to predict the effect of missense changes on protein structure and function (SIFT, PolyPhen-2, Align-GVGD) all suggest that this variant is likely to be tolerated. In summary, the available evidence is currently insufficient to determine the role of this variant in disease. Therefore, it has been classified as a Variant of Uncertain Significance.